The following is an entry in ClinVar:

ClinVar aggregate classification (germline): Uncertain significance (1 of 4 stars; one submission).

gnomAD v4.1: 9 of 1,613,364 alleles (0.00056%); highest among the groups gnomAD compares: African/African-American, 0.0067%; no homozygotes.

Submission:

Labcorp Genetics (formerly Invitae), Labcorp
Classification: Uncertain significance. Last evaluated: 2024-07-18. Review status: criteria provided, single submitter. Criteria: Invitae Variant Classification Sherloc (09022015). Collection method: clinical testing. Allele origin: germline.
Comment: This sequence change replaces methionine, which is neutral and non-polar, with threonine, which is neutral and polar, at codon 689 of the CLCN6 protein (p.Met689Thr). This variant is present in population databases (rs781599578, gnomAD 0.003%). This variant has not been reported in the literature in individuals affected with CLCN6-related conditions. An algorithm developed to predict the effect of missense changes on protein structure and function (PolyPhen-2) suggests that this variant is likely to be tolerated. In summary, the available evidence is currently insufficient to determine the role of this variant in disease. Therefore, it has been classified as a Variant of Uncertain Significance.

NM_001286.5(CLCN6):c.2066T>C (p.Met689Thr)

Gene: CLCN6 (chloride voltage-gated channel 6; plus strand). Cytogenetic location: 1p36.22.
Variant type: single nucleotide variant.
Coding change: c.2066T>C on transcript NM_001286.5 (MANE Select); coding-DNA position 2066, T replaced by C.
Protein change: p.Met689Thr; replaces methionine 689 with threonine.
Molecular consequence: missense variant. On other transcripts: non-coding transcript variant (1).
Genome position (GRCh38, 1-based): chr1:11,837,084, T>C. VCF-style: chr1-11837084-T-C. GRCh37 (hg19) VCF-style: chr1-11897141-T-C.
Other names: c.2000T>C, p.Met667Thr (NM_001256959.2); short protein forms M689T, M667T.
Identifiers: ClinVar variation 3684612 (VCV003684612.2).